The following is an entry in ClinVar:

ClinVar aggregate classification (germline): Uncertain significance (1 of 4 stars; one submission).

Conditions:
Pierson syndrome. Also called: MICROCORIA-CONGENITAL NEPHROTIC SYNDROME. Identifiers: Orphanet 2670, MedGen C1836876, MONDO:0012184, OMIM 609049.
LAMB2-related infantile-onset nephrotic syndrome. Also called: NEPHROTIC SYNDROME, TYPE 5, WITHOUT OCULAR ABNORMALITIES; NEPHROTIC SYNDROME, TYPE 5, WITH OCULAR ABNORMALITIES; Nephrotic Syndrome, type 5. Identifiers: Orphanet 306507, MedGen C3280113, MONDO:0013621, OMIM 614199.

Allele frequency attached by ClinVar (database versions not stated): gnomAD exomes below 0.00001; ExAC 0.00001; 1000 Genomes Project 30x 0.00016; 1000 Genomes Project 0.00020.
gnomAD v4.1: 7 of 1,613,990 alleles (0.00043%); highest among the groups gnomAD compares: Non-Finnish European, 0.00051%; no homozygotes.

Submission:

Labcorp Genetics (formerly Invitae), Labcorp
Classification: Uncertain significance for LAMB2-related infantile-onset nephrotic syndrome; Pierson syndrome. Last evaluated: 2022-02-09. Review status: criteria provided, single submitter. Criteria: Invitae Variant Classification Sherloc (09022015). Collection method: clinical testing. Allele origin: germline.
Comment: This sequence change replaces arginine, which is basic and polar, with glutamine, which is neutral and polar, at codon 1633 of the LAMB2 protein (p.Arg1633Gln). This variant is present in population databases (rs149690378, gnomAD 0.007%). This variant has not been reported in the literature in individuals affected with LAMB2-related conditions. Algorithms developed to predict the effect of missense changes on protein structure and function output the following: SIFT: "Tolerated"; PolyPhen-2: "Benign"; Align-GVGD: "Class C0". The glutamine amino acid residue is found in multiple mammalian species, which suggests that this missense change does not adversely affect protein function. In summary, the available evidence is currently insufficient to determine the role of this variant in disease. Therefore, it has been classified as a Variant of Uncertain Significance.

NM_002292.4(LAMB2):c.4898G>A (p.Arg1633Gln)

Gene: LAMB2 (laminin subunit beta 2; minus strand). Cytogenetic location: 3p21.31.
Variant type: single nucleotide variant.
Coding change: c.4898G>A on transcript NM_002292.4 (MANE Select); coding-DNA position 4898, G replaced by A.
Protein change: p.Arg1633Gln; replaces arginine 1633 with glutamine.
Molecular consequence: missense variant.
Genome position (GRCh38, 1-based): chr3:49,121,969, C>T on the plus strand (G>A on the coding strand, the complement: LAMB2 is on the minus strand). VCF-style: chr3-49121969-C-T. GRCh37 (hg19) VCF-style: chr3-49159402-C-T.
Other names: short protein forms R1633Q.
Identifiers: ClinVar variation 2062359 (VCV002062359.1), dbSNP rs149690378, ClinGen allele CA2393669.
Genomic context (GRCh38, chr3:49,121,969, plus strand): 5'-AACCTTGTCCCACTGATGTCCTAGGAAGACCTCACCTGGTACAGGGTCTGCTCTGTGTCC[C>T]GTGTGTCAGCCACTGCCCCCCGGATGGCACCCTGGGCAATACCCTGTGCCCGCTGGGCCT-3'
Protein context (NP_002283.3, residues 1623-1643): GAIRGAVADT[Arg1633Gln]DTEQTLYQVQ